The following is an entry in ClinVar:

ClinVar aggregate classification (germline): Benign. Review status: criteria provided, multiple submitters, no conflicts (2 of 4 stars). 7 submissions from 7 submitters: Benign (7). Last evaluated 2026-01-31.

Conditions:
Chondrodysplasia punctata, brachytelephalangic, autosomal. Also called: BRACHYTELEPHALANGIC CHONDRODYSPLASIA PUNCTATA. Identifiers: MedGen C1844853, MONDO:0011238, OMIM 602497.
Connective tissue disorder. Also called: Connective tissue disease. Identifiers: MedGen C0009782, MONDO:0003900.
X-linked chondrodysplasia punctata 1 (CDPX1). Also called: Chondrodysplasia punctata, X-linked recessive; CHONDRODYSPLASIA PUNCTATA, BRACHYTELEPHALANGIC. Identifiers: Orphanet 79345, MedGen C3669395, MONDO:0010555, OMIM 302950.

Allele frequency attached by ClinVar (database versions not stated): gnomAD exomes 0.00419 and 0.01016; ExAC 0.01253; gnomAD 0.03133 and 0.03335; TOPMed 0.03662; 1000 Genomes Project 0.03815; 1000 Genomes Project 30x 0.03954; ESP Exome Variant Server 0.04033.
gnomAD v4.1: 8,335 of 1,209,080 alleles (0.69%); highest among the groups gnomAD compares: African/African-American, 11%; 268 homozygotes.

Submissions (7):

Labcorp Genetics (formerly Invitae), Labcorp
Classification: Benign for Chondrodysplasia punctata, brachytelephalangic, autosomal. Last evaluated: 2026-01-31. Review status: criteria provided, single submitter. Criteria: Invitae Variant Classification Sherloc (09022015). Collection method: clinical testing. Allele origin: germline.

ARUP Laboratories, Molecular Genetics and Genomics, ARUP Laboratories
Classification: Benign for X-linked chondrodysplasia punctata 1. Last evaluated: 2023-11-29. Review status: criteria provided, single submitter. Criteria: ARUP Molecular Germline Variant Investigation Process 2024. Collection method: clinical testing. Allele origin: germline.

Genome Diagnostics Laboratory, The Hospital for Sick Children
Classification: Benign for Connective tissue disorder. Last evaluated: 2021-11-01. Review status: criteria provided, single submitter. Criteria: ACMG Guidelines, 2015. Collection method: clinical testing. Allele origin: germline.

GeneDx
Classification: Benign. Last evaluated: 2018-02-12. Review status: criteria provided, single submitter. Criteria: GeneDx Variant Classification (06012015). Collection method: clinical testing. Allele origin: germline. Affected: yes.
Comment: This variant is considered likely benign or benign based on one or more of the following criteria: it is a conservative change, it occurs at a poorly conserved position in the protein, it is predicted to be benign by multiple in silico algorithms, and/or has population frequency not consistent with disease.

Genetic Services Laboratory, University of Chicago
Classification: Benign. Last evaluated: 2013-02-08. Review status: criteria provided, single submitter. Criteria: ACMG Guidelines, 2007. Collection method: clinical testing. Allele origin: germline. Inheritance: X-linked inheritance.

Breakthrough Genomics
Classification: Benign. Review status: criteria provided, single submitter. Criteria: ACMG Guidelines, 2015. Collection method: not provided. Allele origin: germline. Inheritance: X-linked inheritance. Affected: yes.

PreventionGenetics, part of Exact Sciences
Classification: Benign. Review status: criteria provided, single submitter. Criteria: ACMG Guidelines, 2015. Collection method: clinical testing. Allele origin: germline.

NM_000047.3(ARSL):c.549C>T (p.Arg183=)

Gene: ARSL (arylsulfatase L; minus strand). Cytogenetic location: Xp22.33.
Variant type: single nucleotide variant.
Coding change: c.549C>T on transcript NM_000047.3 (MANE Select); coding-DNA position 549, C replaced by T.
Protein change: p.Arg183=; no amino-acid change (arginine 183 retained).
Molecular consequence: synonymous variant.
Genome position (GRCh38, 1-based): chrX:2,949,609, G>A on the plus strand (C>T on the coding strand, the complement: ARSL is on the minus strand). VCF-style: chrX-2949609-G-A. GRCh37 (hg19) VCF-style: chrX-2867650-G-A.
Other names: c.624C>T, p.Arg208= (NM_001282628.2, NM_001369080.1); c.387C>T, p.Arg129= (NM_001282631.2); c.576C>T, p.Arg192= (NM_001369079.1).
Identifiers: ClinVar variation 157735 (VCV000157735.64), dbSNP rs5982618, ClinGen allele CA171132.